The following is an entry in ClinVar:

ClinVar aggregate classification (germline): Uncertain significance (1 of 4 stars; one submission).

Submission:

Labcorp Genetics (formerly Invitae), Labcorp
Classification: Uncertain significance. Last evaluated: 2022-02-05. Review status: criteria provided, single submitter. Criteria: Invitae Variant Classification Sherloc (09022015). Collection method: clinical testing. Allele origin: germline.
Comment: Algorithms developed to predict the effect of missense changes on protein structure and function are either unavailable or do not agree on the potential impact of this missense change (SIFT: "Deleterious"; PolyPhen-2: "Probably Damaging"; Align-GVGD: "Class C0"). This variant has not been reported in the literature in individuals affected with ADGRV1-related conditions. This variant is not present in population databases (gnomAD no frequency). This sequence change replaces proline, which is neutral and non-polar, with leucine, which is neutral and non-polar, at codon 2125 of the ADGRV1 protein (p.Pro2125Leu). In summary, the available evidence is currently insufficient to determine the role of this variant in disease. Therefore, it has been classified as a Variant of Uncertain Significance.

NM_032119.4(ADGRV1):c.6374C>T (p.Pro2125Leu)

Gene: ADGRV1 (adhesion G protein-coupled receptor V1; plus strand). Cytogenetic location: 5q14.3.
Variant type: single nucleotide variant.
Coding change: c.6374C>T on transcript NM_032119.4 (MANE Select); coding-DNA position 6374, C replaced by T.
Protein change: p.Pro2125Leu; replaces proline 2125 with leucine.
Molecular consequence: missense variant. On other transcripts: non-coding transcript variant (1).
Genome position (GRCh38, 1-based): chr5:90,685,879, C>T. VCF-style: chr5-90685879-C-T. GRCh37 (hg19) VCF-style: chr5-89981696-C-T.
Other names: short protein forms P2125L.
Identifiers: ClinVar variation 1476031 (VCV001476031.8), dbSNP rs2149594966, ClinGen allele CA360363478.